The following is an entry in ClinVar:

ClinVar aggregate classification (germline): Uncertain significance (1 of 4 stars; one submission).

gnomAD v4.1: 2 of 1,614,088 alleles (0.00012%); highest among the groups gnomAD compares: Non-Finnish European, 0.00017%; no homozygotes.

Submission:

Labcorp Genetics (formerly Invitae), Labcorp
Classification: Uncertain significance. Last evaluated: 2026-01-02. Review status: criteria provided, single submitter. Criteria: Invitae Variant Classification Sherloc (09022015). Collection method: clinical testing. Allele origin: germline.
Comment: This sequence change replaces serine, which is neutral and polar, with tryptophan, which is neutral and slightly polar, at codon 1556 of the ALPK3 protein (p.Ser1556Trp). This variant is not present in population databases (gnomAD no frequency). This variant has not been reported in the literature in individuals affected with ALPK3-related conditions. ClinVar contains an entry for this variant (Variation ID: 3012934). Invitae Evidence Modeling of protein sequence and biophysical properties (such as structural, functional, and spatial information, amino acid conservation, physicochemical variation, residue mobility, and thermodynamic stability) indicates that this missense variant is expected to disrupt ALPK3 protein function with a positive predictive value of 80%. In summary, the available evidence is currently insufficient to determine the role of this variant in disease. Therefore, it has been classified as a Variant of Uncertain Significance.

NM_020778.5(ALPK3):c.4061C>G (p.Ser1354Trp)

Gene: ALPK3 (alpha kinase 3; plus strand). Cytogenetic location: 15q25.3.
Variant type: single nucleotide variant.
Coding change: c.4061C>G on transcript NM_020778.5 (MANE Select); coding-DNA position 4061, C replaced by G.
Protein change: p.Ser1354Trp; replaces serine 1354 with tryptophan.
Molecular consequence: missense variant.
Genome position (GRCh38, 1-based): chr15:84,859,871, C>G. VCF-style: chr15-84859871-C-G. GRCh37 (hg19) VCF-style: chr15-85403102-C-G.
Other names: short protein forms S1354W.
Identifiers: ClinVar variation 3012934 (VCV003012934.3), dbSNP rs377340628, ClinGen allele CA393361990.